The following is an entry in ClinVar:

ClinVar aggregate classification (germline): Uncertain significance. Review status: criteria provided, multiple submitters, no conflicts (2 of 4 stars). 2 submissions from 2 submitters: Uncertain significance (2). Last evaluated 2024-03-19.

Submissions (2):

Blueprint Genetics
Classification: Uncertain significance. Last evaluated: 2024-03-19. Review status: criteria provided, single submitter. Criteria: ACMG Guidelines, 2015. Collection method: clinical testing. Allele origin: germline.

GeneDx
Classification: Uncertain significance. Last evaluated: 2023-07-20. Review status: criteria provided, single submitter. Criteria: GeneDx Variant Classification Process June 2021. Collection method: clinical testing. Allele origin: germline. Affected: yes.
Comment: Not observed at significant frequency in large population cohorts (gnomAD); In-frame insertion of 2 amino acids in a non-repeat region; Has not been previously published as pathogenic or benign to our knowledge

NM_001348716.2(KDM6B):c.1142_1147dup (p.Cys382_Val383insAlaCys)

Gene: KDM6B (lysine demethylase 6B; plus strand). Cytogenetic location: 17p13.1.
Variant type: Duplication.
Coding change: c.1142_1147dup on transcript NM_001348716.2 (MANE Select); coding-DNA positions 1142 to 1147, 6 bases duplicated (CCTGCG; older notation c.1142_1147dupCCTGCG).
Protein change: p.Cys382_Val383insAlaCys.
Genome position (GRCh38, 1-based): chr17:7,847,337-7,847,342, CCTGCG duplicated; duplicating any 6 consecutive bases within chr17:7,847,335-7,847,342 gives the same sequence; the c. name uses the placement nearest the transcript's 3' end. VCF-style (leftmost placement, unchanged base first): chr17-7847334-C-CCGCCTG. GRCh37 (hg19) VCF-style: chr17-7750652-C-CCGCCTG.
Other names: c.1142_1147dup, p.Cys382_Val383insAlaCys (NM_001080424.2).
Identifiers: ClinVar variation 3361149 (VCV003361149.2).